The following is an entry in ClinVar:

NM_004360.5(CDH1):c.1313C>G (p.Thr438Arg)

Gene: CDH1 (cadherin 1; plus strand). Cytogenetic location: 16q22.1.
Variant type: single nucleotide variant.
Coding change: c.1313C>G on transcript NM_004360.5 (MANE Select); coding-DNA position 1313, C replaced by G.
Protein change: p.Thr438Arg; replaces threonine 438 with arginine.
Molecular consequence: missense variant. On other transcripts: 5 prime UTR variant (2), intron variant (1).
Genome position (GRCh38, 1-based): chr16:68,813,488, C>G. VCF-style: chr16-68813488-C-G. GRCh37 (hg19) VCF-style: chr16-68847391-C-G.
Other names: c.1313C>G (LRG_301t1); c.-303C>G (NM_001317185.2); c.-507C>G (NM_001317186.2); c.1137+1225C>G (NM_001317184.2); short protein forms T438R.
Identifiers: ClinVar variation 229822 (VCV000229822.15), dbSNP rs876658218, ClinGen allele CA10580110.

ClinVar aggregate classification (germline): Uncertain significance. Review status: criteria provided, multiple submitters, no conflicts (2 of 4 stars). 3 submissions from 3 submitters: Uncertain significance (3). Last evaluated 2023-12-05.

Conditions:
Hereditary cancer-predisposing syndrome. Also called: Hereditary Cancer Syndrome; Neoplastic Syndromes, Hereditary; Tumor predisposition; Hereditary neoplastic syndrome. Identifiers: Orphanet 140162, MedGen C0027672, MeSH D009386, MONDO:0015356.
Hereditary diffuse gastric adenocarcinoma (HDGC). Also called: DIFFUSE GASTRIC AND LOBULAR BREAST CANCER SYNDROME. Identifiers: Orphanet 26106, MedGen C1708349, MONDO:0007648, OMIM 137215.

Submissions (3):

Color Diagnostics, LLC DBA Color Health
Classification: Uncertain significance for Hereditary cancer-predisposing syndrome. Last evaluated: 2023-12-05. Review status: criteria provided, single submitter. Criteria: ACMG Guidelines, 2015. Collection method: clinical testing. Allele origin: germline.
Comment: This missense variant replaces threonine with arginine at codon 438 of the CDH1 protein. To our knowledge, functional studies have not been reported for this variant. This variant has not been reported in individuals affected with CDH1-related disorders in the literature. This variant has not been identified in the general population by the Genome Aggregation Database (gnomAD). The available evidence is insufficient to determine the role of this variant in disease conclusively. Therefore, this variant is classified as a Variant of Uncertain Significance.

Ambry Genetics
Classification: Uncertain significance for Hereditary cancer-predisposing syndrome. Last evaluated: 2022-12-22. Review status: criteria provided, single submitter. Criteria: Ambry Variant Classification Scheme 2023. Collection method: clinical testing. Allele origin: germline.
Comment: The p.T438R variant (also known as c.1313C>G), located in coding exon 9 of the CDH1 gene, results from a C to G substitution at nucleotide position 1313. The threonine at codon 438 is replaced by arginine, an amino acid with similar properties. This amino acid position is well conserved in available vertebrate species. In addition, this alteration is predicted to be deleterious by in silico analysis. Since supporting evidence is limited at this time, the clinical significance of this alteration remains unclear.

Labcorp Genetics (formerly Invitae), Labcorp
Classification: Uncertain significance for Hereditary diffuse gastric adenocarcinoma. Last evaluated: 2022-06-29. Review status: criteria provided, single submitter. Criteria: Invitae Variant Classification Sherloc (09022015). Collection method: clinical testing. Allele origin: germline.
Comment: In summary, the available evidence is currently insufficient to determine the role of this variant in disease. Therefore, it has been classified as a Variant of Uncertain Significance. Algorithms developed to predict the effect of missense changes on protein structure and function (SIFT, PolyPhen-2, Align-GVGD) all suggest that this variant is likely to be disruptive. ClinVar contains an entry for this variant (Variation ID: 229822). This variant has not been reported in the literature in individuals affected with CDH1-related conditions. This variant is not present in population databases (gnomAD no frequency). This sequence change replaces threonine, which is neutral and polar, with arginine, which is basic and polar, at codon 438 of the CDH1 protein (p.Thr438Arg).